The following is an entry in ClinVar:

ClinVar aggregate classification (germline): Conflicting classifications of pathogenicity. Review status: criteria provided, conflicting classifications (1 of 4 stars). 5 submissions from 5 submitters: Uncertain significance (1); Likely benign (3). 1 of the submissions does not count toward it. Last evaluated 2025-12-17.

Conditions:
Inborn genetic diseases. Identifiers: MedGen C0950123, MeSH D030342.
RERE-related disorder. Also called: RERE-Related Disorders; RERE-related condition. Identifiers: MedGen CN381537.

Allele frequency attached by ClinVar (database versions not stated): TOPMed 0.00001; ExAC 0.00002; gnomAD 0.00004.
gnomAD v4.1: 85 of 1,613,872 alleles (0.0053%); highest among the groups gnomAD compares: Middle Eastern, 0.033%; no homozygotes.

Submissions (5):

PreventionGenetics, part of Exact Sciences
Classification: Likely benign for RERE-related condition. Last evaluated: 2025-12-17. Review status: criteria provided, single submitter. Criteria: ACMG Guidelines, 2015. Collection method: clinical testing. Allele origin: germline.
Comment: This variant is classified as likely benign based on ACMG/AMP sequence variant interpretation guidelines (Richards et al. 2015 PMID: 25741868, with internal and published modifications).

Labcorp Genetics (formerly Invitae), Labcorp
Classification: Uncertain significance. Last evaluated: 2025-09-16. Review status: criteria provided, single submitter. Criteria: Invitae Variant Classification Sherloc (09022015). Collection method: clinical testing. Allele origin: germline.
Comment: This sequence change replaces threonine, which is neutral and polar, with methionine, which is neutral and non-polar, at codon 658 of the RERE protein (p.Thr658Met). This variant is present in population databases (rs761875399, gnomAD 0.005%). This variant has not been reported in the literature in individuals affected with RERE-related conditions. ClinVar contains an entry for this variant (Variation ID: 2280979). Invitae Evidence Modeling of protein sequence and biophysical properties (such as structural, functional, and spatial information, amino acid conservation, physicochemical variation, residue mobility, and thermodynamic stability) has been performed for this missense variant. However, the output from this modeling did not meet the statistical confidence thresholds required to predict the impact of this variant on RERE protein function. In summary, the available evidence is currently insufficient to determine the role of this variant in disease. Therefore, it has been classified as a Variant of Uncertain Significance.

Ambry Genetics
Classification: Likely benign for Inborn genetic diseases. Last evaluated: 2022-09-26. Review status: criteria provided, single submitter. Criteria: Ambry Variant Classification Scheme 2023. Collection method: clinical testing. Allele origin: germline.

Blueprint Genetics
Classification: Likely benign. Last evaluated: 2020-08-20. Review status: criteria provided, single submitter. Criteria: ACMG Guidelines, 2015. Collection method: clinical testing. Allele origin: germline.

Genetics and Genomic Medicine Centre, NeuroGen Healthcare, NeuroGen Healthcare
Classification: Uncertain significance. Last evaluated: 2021-03-20. Review status: no assertion criteria provided. Collection method: clinical testing. Allele origin: unknown. Affected: yes. Not counted in ClinVar's aggregate classification.

NM_001042681.2(RERE):c.1973C>T (p.Thr658Met)

Gene: RERE (arginine-glutamic acid dipeptide repeats; minus strand). Cytogenetic location: 1p36.23.
Variant type: single nucleotide variant.
Coding change: c.1973C>T on transcript NM_001042681.2 (MANE Select); coding-DNA position 1973, C replaced by T.
Protein change: p.Thr658Met; replaces threonine 658 with methionine.
Molecular consequence: missense variant.
Genome position (GRCh38, 1-based): chr1:8,361,806, G>A on the plus strand (C>T on the coding strand, the complement: RERE is on the minus strand). VCF-style: chr1-8361806-G-A. GRCh37 (hg19) VCF-style: chr1-8421866-G-A.
Other names: c.311C>T, p.Thr104Met (NM_001042682.2); c.1973C>T, p.Thr658Met (NM_012102.4); short protein forms T658M, T104M.
Identifiers: ClinVar variation 2280979 (VCV002280979.9), dbSNP rs761875399, ClinGen allele CA571490.
Genomic context (GRCh38, chr1:8,361,806, plus strand): 5'-TCAGCAGCAAACCTCACCTGCGTTTTTGTCTTCTTGGAGCTGGTCCTGTCAGCCTCCTCC[G>A]TATCAGAGGCCACCTTCTCCCGCTGGCGTTTGTTACTCTTAAGAGGGGAAGAGGCTTCCT-3'
Protein context (NP_001036146.1, residues 648-668): KRQREKVASD[Thr658Met]EEADRTSSKK